The following is an entry in ClinVar:

ClinVar aggregate classification (germline): Uncertain significance (1 of 4 stars; one submission).

Conditions:
CHARGE syndrome (CHARGE). Also called: Hittner Hirsch Kreh syndrome; CHARGE ASSOCIATION--COLOBOMA, HEART ANOMALY, CHOANAL ATRESIA, RETARDATION, GENITAL AND EAR ANOMALIES; Coloboma, heart anomaly, choanal atresia, retardation, genital and ear anomalies; CHARGE association; Hall-Hittner syndrome. Identifiers: Orphanet 138, MedGen C0265354, MONDO:0008965.

Submission:

Labcorp Genetics (formerly Invitae), Labcorp
Classification: Uncertain significance for CHARGE syndrome. Last evaluated: 2022-08-23. Review status: criteria provided, single submitter. Criteria: Invitae Variant Classification Sherloc (09022015). Collection method: clinical testing. Allele origin: germline.
Comment: In summary, the available evidence is currently insufficient to determine the role of this variant in disease. Therefore, it has been classified as a Variant of Uncertain Significance. Experimental studies and prediction algorithms are not available or were not evaluated, and the functional significance of this variant is currently unknown. This variant has not been reported in the literature in individuals affected with CHD7-related conditions. This variant is not present in population databases (gnomAD no frequency). This variant, c.1589_1597del, results in the deletion of 3 amino acid(s) of the CHD7 protein (p.Pro530_Pro532del), but otherwise preserves the integrity of the reading frame.

NM_017780.4(CHD7):c.1589_1597del (p.Pro530_Pro532del)

Gene: CHD7 (chromodomain helicase DNA binding protein 7; plus strand). Cytogenetic location: 8q12.2.
Variant type: Deletion.
Coding change: c.1589_1597del on transcript NM_017780.4 (MANE Select); coding-DNA positions 1589 to 1597, 9 bases deleted (CACACCCTC; older notation c.1589_1597delCACACCCTC).
Protein change: p.Pro530_Pro532del.
Molecular consequence: inframe deletion.
Genome position (GRCh38, 1-based): chr8:60,743,021-60,743,029, CACACCCTC deleted; deleting any 9 consecutive bases within chr8:60,743,017-60,743,029 gives the same sequence; the c. name uses the placement nearest the transcript's 3' end. VCF-style (leftmost placement, unchanged base first): chr8-60743016-ACCTCCACAC-A. GRCh37 (hg19) VCF-style: chr8-61655575-ACCTCCACAC-A.
Other names: c.1589_1597del, p.Pro530_Pro532del (NM_001316690.1).
Identifiers: ClinVar variation 2100025 (VCV002100025.4), dbSNP rs2487285166, ClinGen allele CA2580078443.